The following is an entry in ClinVar:

ClinVar aggregate classification (germline): Uncertain significance (1 of 4 stars; one submission).

Allele frequency attached by ClinVar (database versions not stated): gnomAD 0.00001; gnomAD exomes 0.00001; TOPMed 0.00001.
gnomAD v4.1: 9 of 1,604,434 alleles (0.00056%); highest among the groups gnomAD compares: Non-Finnish European, 0.00068%; no homozygotes.

Submission:

Labcorp Genetics (formerly Invitae), Labcorp
Classification: Uncertain significance. Last evaluated: 2021-12-31. Review status: criteria provided, single submitter. Criteria: Invitae Variant Classification Sherloc (09022015). Collection method: clinical testing. Allele origin: germline.
Comment: In summary, the available evidence is currently insufficient to determine the role of this variant in disease. Therefore, it has been classified as a Variant of Uncertain Significance. Algorithms developed to predict the effect of missense changes on protein structure and function (SIFT, PolyPhen-2, Align-GVGD) all suggest that this variant is likely to be disruptive. This variant has not been reported in the literature in individuals affected with ERBIN-related conditions. This variant is not present in population databases (gnomAD no frequency). This sequence change replaces glutamic acid, which is acidic and polar, with lysine, which is basic and polar, at codon 187 of the ERBIN protein (p.Glu187Lys).

NM_001253697.2(ERBIN):c.559G>A (p.Glu187Lys)

Gene: ERBIN (erbb2 interacting protein; plus strand). Cytogenetic location: 5q12.3.
Variant type: single nucleotide variant.
Coding change: c.559G>A on transcript NM_001253697.2 (MANE Select); coding-DNA position 559, G replaced by A.
Protein change: p.Glu187Lys; replaces glutamic acid 187 with lysine.
Molecular consequence: missense variant.
Genome position (GRCh38, 1-based): chr5:66,021,347, G>A. VCF-style: chr5-66021347-G-A. GRCh37 (hg19) VCF-style: chr5-65317175-G-A.
Other names: c.559G>A, p.Glu187Lys (NM_001006600.3, NM_001253698.2, NM_001253699.2 and 2 more transcripts); short protein forms E187K.
Identifiers: ClinVar variation 2067934 (VCV002067934.4), dbSNP rs1449545142, ClinGen allele CA359974370.